The following is an entry in ClinVar:

ClinVar aggregate classification (germline): Likely benign (1 of 4 stars; one submission).

Conditions:
Medulloblastoma (MDB). Also called: Medulloblastoma, somatic; MEDULLOBLASTOMA PREDISPOSITION SYNDROME. Identifiers: Orphanet 616, MedGen C0025149, MeSH D008527, MONDO:0007959, OMIM 155255, HP:0002885.

Allele frequency attached by ClinVar (database versions not stated): gnomAD exomes 0.00063; 1000 Genomes Project 30x 0.00312; 1000 Genomes Project 0.00339; gnomAD 0.00378 and 0.00412; TOPMed 0.00464.
gnomAD v4.1: 674 of 298,470 alleles (0.23%); highest among the groups gnomAD compares: African/African-American, 1.3%; 8 homozygotes.

Submission:

Illumina Laboratory Services, Illumina
Classification: Likely benign for Medulloblastoma. Last evaluated: 2018-01-13. Review status: criteria provided, single submitter. Criteria: ICSL Variant Classification Criteria 13 December 2019. Collection method: clinical testing. Allele origin: germline.
Comment: This variant was observed in the ICSL laboratory as part of a predisposition screen in an ostensibly healthy population. It had not been previously curated by ICSL or reported in the Human Gene Mutation Database (HGMD: prior to June 1st, 2018), and was therefore a candidate for classification through an automated scoring system. Utilizing variant allele frequency, disease prevalence and penetrance estimates, and inheritance mode, an automated score was calculated to assess if this variant is too frequent to cause the disease. Based on the score and internal cut-off values, a variant classified as likely benign is not then subjected to further curation. The score for this variant resulted in a classification of likely benign for this disease.

NM_016169.4(SUFU):c.*505T>G

Gene: SUFU (SUFU negative regulator of hedgehog signaling; plus strand). Cytogenetic location: 10q24.32.
Variant type: single nucleotide variant.
Coding change: c.*505T>G on transcript NM_016169.4 (MANE Select); 505 bases downstream of the stop codon, T replaced by G.
Molecular consequence: 3 prime UTR variant.
Genome position (GRCh38, 1-based): chr10:102,630,660, T>G. VCF-style: chr10-102630660-T-G. GRCh37 (hg19) VCF-style: chr10-104390417-T-G.
Identifiers: ClinVar variation 879342 (VCV000879342.4), dbSNP rs116570216, ClinGen allele CA212250875.